The following is an entry in ClinVar:

NM_002769.5(PRSS1):c.17T>A (p.Ile6Asn)

Genes: PRSS1 (serine protease 1; plus strand), TRB (T cell receptor beta locus; plus strand). Cytogenetic location: 7q34.
Variant type: single nucleotide variant.
Coding change: c.17T>A on transcript NM_002769.5 (MANE Select); coding-DNA position 17, T replaced by A.
Protein change: p.Ile6Asn; replaces isoleucine 6 with asparagine.
Molecular consequence: missense variant. On other transcripts: non-coding transcript variant (5).
Genome position (GRCh38, 1-based): chr7:142,749,501, T>A. VCF-style: chr7-142749501-T-A. GRCh37 (hg19) VCF-style: chr7-142457352-T-A.
Other names: short protein forms I6N.
Identifiers: ClinVar variation 3310654 (VCV003310654.1).

ClinVar aggregate classification (germline): Uncertain significance (1 of 4 stars; one submission).

Conditions:
Hereditary pancreatitis (PCTT). Also called: PRSS1-Related Hereditary Pancreatitis; Hereditary chronic pancreatitis. Identifiers: Orphanet 676, MedGen C0238339, MONDO:0008185, OMIM 167800.

Submission:

Ambry Genetics
Classification: Uncertain significance for Hereditary pancreatitis. Last evaluated: 2024-05-15. Review status: criteria provided, single submitter. Criteria: Ambry Variant Classification Scheme 2023. Collection method: clinical testing. Allele origin: germline.
Comment: The p.I6N variant (also known as c.17T>A), located in coding exon 1 of the PRSS1 gene, results from a T to A substitution at nucleotide position 17. The isoleucine at codon 6 is replaced by asparagine, an amino acid with dissimilar properties. This amino acid position is conserved. In addition, the in silico prediction for this alteration is inconclusive. Based on the available evidence, the clinical significance of this variant remains unclear.